The following is an entry in ClinVar:

NM_001037.5(SCN1B):c.448+130A>G

Gene: SCN1B (sodium voltage-gated channel beta subunit 1; plus strand). Cytogenetic location: 19q13.11.
Variant type: single nucleotide variant.
Coding change: c.448+130A>G on transcript NM_001037.5 (MANE Select); 130 bases into the intron after coding-DNA position 448, A replaced by G.
Molecular consequence: intron variant. On other transcripts: missense variant (1).
Genome position (GRCh38, 1-based): chr19:35,033,869, A>G. VCF-style: chr19-35033869-A-G. GRCh37 (hg19) VCF-style: chr19-35524773-A-G.
Other names: c.578A>G, p.Glu193Gly (NM_199037.5); c.349+130A>G (NM_001321605.2); short protein forms E193G.
Identifiers: ClinVar variation 2075412 (VCV002075412.4), dbSNP rs2514235070, ClinGen allele CA405329358.

ClinVar aggregate classification (germline): Uncertain significance (1 of 4 stars; one submission).

Conditions:
Brugada syndrome 5 (BRGDA5). Identifiers: Orphanet 130, Orphanet 871, MedGen C2748541, MONDO:0013015, OMIM 612838.

Submission:

Labcorp Genetics (formerly Invitae), Labcorp
Classification: Uncertain significance for Brugada syndrome 5. Last evaluated: 2022-01-05. Review status: criteria provided, single submitter. Criteria: Invitae Variant Classification Sherloc (09022015). Collection method: clinical testing. Allele origin: germline.
Comment: This variant is not present in population databases (gnomAD no frequency). This variant has not been reported in the literature in individuals affected with SCN1B-related conditions. Algorithms developed to predict the effect of missense changes on protein structure and function output the following: SIFT: "Tolerated"; PolyPhen-2: "Benign"; Align-GVGD: "Class C0". The glycine amino acid residue is found in multiple mammalian species, which suggests that this missense change does not adversely affect protein function. In summary, the available evidence is currently insufficient to determine the role of this variant in disease. Therefore, it has been classified as a Variant of Uncertain Significance. This sequence change replaces glutamic acid, which is acidic and polar, with glycine, which is neutral and non-polar, at codon 193 of the SCN1B protein (p.Glu193Gly).